The following is an entry in ClinVar:

NM_000202.8(IDS):c.1303G>T (p.Gly435Cys)

Gene: IDS (iduronate 2-sulfatase; minus strand). Cytogenetic location: Xq28.
Variant type: single nucleotide variant.
Coding change: c.1303G>T on transcript NM_000202.8 (MANE Select); coding-DNA position 1303, G replaced by T.
Protein change: p.Gly435Cys; replaces glycine 435 with cysteine.
Molecular consequence: missense variant.
Genome position (GRCh38, 1-based): chrX:149,483,096, C>A on the plus strand (G>T on the coding strand, the complement: IDS is on the minus strand). VCF-style: chrX-149483096-C-A. GRCh37 (hg19) VCF-style: chrX-148564627-C-A.
Other names: c.1033G>T, p.Gly345Cys (NM_001166550.4); short protein forms G345C, G435C.
Identifiers: ClinVar variation 2416338 (VCV002416338.5), dbSNP rs2089307002, ClinGen allele CA414518382.

ClinVar aggregate classification (germline): Uncertain significance (1 of 4 stars; one submission).

Conditions:
Mucopolysaccharidosis, MPS-II (MPS2). Also called: Attenuated MPS (subtype; formerly known as mild MPS II); Severe MPS II; I2S deficiency; MPS 2; Hunter Syndrome; IDURONATE 2-SULFATASE DEFICIENCY. Identifiers: Orphanet 580, Orphanet 79388, MedGen C0026705, MONDO:0010674, OMIM 309900.

Allele frequency attached by ClinVar (database versions not stated): gnomAD 0.00001.
gnomAD v4.1: 1 of 1,205,079 alleles (0.000083%); highest among the groups gnomAD compares: Admixed American, 0.0022%; no homozygotes.

Submission:

Labcorp Genetics (formerly Invitae), Labcorp
Classification: Uncertain significance for Mucopolysaccharidosis, MPS-II. Last evaluated: 2022-05-04. Review status: criteria provided, single submitter. Criteria: Invitae Variant Classification Sherloc (09022015). Collection method: clinical testing. Allele origin: germline.
Comment: In summary, the available evidence is currently insufficient to determine the role of this variant in disease. Therefore, it has been classified as a Variant of Uncertain Significance. Algorithms developed to predict the effect of missense changes on protein structure and function (SIFT, PolyPhen-2, Align-GVGD) all suggest that this variant is likely to be disruptive. This variant has not been reported in the literature in individuals affected with IDS-related conditions. This variant is not present in population databases (gnomAD no frequency). This sequence change replaces glycine, which is neutral and non-polar, with cysteine, which is neutral and slightly polar, at codon 435 of the IDS protein (p.Gly435Cys).